The following is an entry in ClinVar:

ClinVar aggregate classification (germline): Conflicting classifications of pathogenicity. Review status: criteria provided, conflicting classifications (1 of 4 stars). 5 submissions from 5 submitters: Pathogenic (1); Likely pathogenic (1); Uncertain significance (3). Last evaluated 2026-09-02.

Conditions:
MED12-related intellectual disability syndrome. Identifiers: MedGen CN305246, MONDO:0100000.
Familial thoracic aortic aneurysm and aortic dissection (TAAD). Also called: Thoracic aortic aneurysms and dissections. Identifiers: Orphanet 91387, MedGen C4707243, MONDO:0019625.
FG syndrome 1 (OKS). Also called: KELLER SYNDROME; MENTAL RETARDATION, LARGE HEAD, IMPERFORATE ANUS, CONGENITAL HYPOTONIA, AND PARTIAL AGENESIS OF CORPUS CALLOSUM; OPITZ-KAVEGGIA SYNDROME; FG Syndrome Type 1 (FGS1). Identifiers: Orphanet 93932, MedGen C5399762, MONDO:0010590, OMIM 305450.
FG syndrome (FGS). Identifiers: MedGen C0220769, MONDO:0002010.

Submissions (5):

GeneDx
Classification: Pathogenic. Last evaluated: 2026-09-02. Review status: criteria provided, single submitter. Criteria: GeneDx Variant Classification Process June 2021. Collection method: clinical testing. Allele origin: germline.
Comment: RNA studies demonstrate a damaging effect: aberrant mRNA expression of exon 4 skipping or 11bp retention of intron 3 (PMID: 41843224); Not observed at significant frequency in large population cohorts (gnomAD); In silico analysis supports a deleterious effect on splicing; This variant is associated with the following publications: (PMID: 41843224)

Ambry Genetics
Classification: Likely pathogenic for Familial thoracic aortic aneurysm and aortic dissection. Last evaluated: 2026-07-10. Review status: criteria provided, single submitter. Criteria: Ambry Variant Classification Scheme 2023. Collection method: clinical testing. Allele origin: germline.
Comment: The c.397-12A>G intronic variant consists of an A to G substitution 12 nucleotides before exon 4 (coding exon 4) of the MED12 gene. This variant was not reported in population-based cohorts in the Genome Aggregation Database (gnomAD). This variant was reported in individual(s) with features consistent with MED12-related neurodevelopmental disorder; in at least one individual, it was determined to be de novo (Tang, 2026). This nucleotide position is highly conserved in available vertebrate species. RNA studies have demonstrated that this alteration results in abnormal splicing (Tang, 2026). In silico splice site analysis predicts that this alteration may weaken the native splice acceptor site and will result in the creation or strengthening of a novel splice acceptor site. Based on the available evidence, this alteration is classified as likely pathogenic.

Labcorp Genetics (formerly Invitae), Labcorp
Classification: Uncertain significance for FG syndrome. Last evaluated: 2024-09-30. Review status: criteria provided, single submitter. Criteria: Invitae Variant Classification Sherloc (09022015). Collection method: clinical testing. Allele origin: germline.
Comment: This sequence change falls in intron 3 of the MED12 gene. It does not directly change the encoded amino acid sequence of the MED12 protein. This variant is not present in population databases (gnomAD no frequency). This variant has not been reported in the literature in individuals affected with MED12-related conditions. ClinVar contains an entry for this variant (Variation ID: 372815). Algorithms developed to predict the effect of sequence changes on RNA splicing suggest that this variant may disrupt the consensus splice site. In summary, the available evidence is currently insufficient to determine the role of this variant in disease. Therefore, it has been classified as a Variant of Uncertain Significance.

Institute of Human Genetics, University of Leipzig Medical Center
Classification: Uncertain significance for FG syndrome 1. Last evaluated: 2023-10-10. Review status: criteria provided, single submitter. Criteria: ACMG Guidelines, 2015. Collection method: clinical testing. Allele origin: maternal. Inheritance: X-linked recessive inheritance. Affected: yes.
Comment: Criteria applied: PM2,PP3

Illumina Laboratory Services, Illumina
Classification: Uncertain significance for MED12-related intellectual disability syndrome. Last evaluated: 2023-06-12. Review status: criteria provided, single submitter. Criteria: ICSLVariantClassificationCriteria RUGD 01 April 2020. Collection method: clinical testing. Allele origin: unknown.
Comment: The MED12 c.397-12A>G variant occurs in a splice region and has not, to our knowledge, been reported in the peer-reviewed literature. This variant is not observed in version 2.1.1 or version 3.1.2 of the Genome Aggregation Database. Computational evidence suggests the variant may create a new cryptic splice acceptor site. Based on the available evidence, the c.397-12A>G variant is classified as a variant of uncertain significance for MED12-related disorders.

Literature cited by the submitters: PubMed 41843224 (cited by Ambry Genetics).

NM_005120.3(MED12):c.397-12A>G

Gene: MED12 (mediator complex subunit 12; plus strand). Cytogenetic location: Xq13.1.
Variant type: single nucleotide variant.
Coding change: c.397-12A>G on transcript NM_005120.3 (MANE Select); 12 bases into the intron before coding-DNA position 397, A replaced by G.
Molecular consequence: intron variant.
Genome position (GRCh38, 1-based): chrX:71,120,002, A>G. VCF-style: chrX-71120002-A-G. GRCh37 (hg19) VCF-style: chrX-70339852-A-G.
Identifiers: ClinVar variation 372815 (VCV000372815.10), dbSNP rs192515277, ClinGen allele CA16043331.
Genomic context (GRCh38, chrX:71,120,002, plus strand): 5'-TCCCATATTAAGCTACATGGGTGTCAGCTCATGGGGATAATAGAGACCTCACTATTTGCA[A>G]TGTCCATCCAGGTCCCCATTTTCAGTAAGAAGGAAGAGGTGTTTGGGTACTTAGCCAAAT-3'